The following is an entry in ClinVar:

NM_004304.5(ALK):c.3218T>C (p.Leu1073Pro)

Gene: ALK (ALK receptor tyrosine kinase; minus strand). Cytogenetic location: 2p23.2.
Variant type: single nucleotide variant.
Coding change: c.3218T>C on transcript NM_004304.5 (MANE Select); coding-DNA position 3218, T replaced by C.
Protein change: p.Leu1073Pro; replaces leucine 1073 with proline.
Molecular consequence: missense variant.
Genome position (GRCh38, 1-based): chr2:29,223,483, A>G on the plus strand (T>C on the coding strand, the complement: ALK is on the minus strand). VCF-style: chr2-29223483-A-G. GRCh37 (hg19) VCF-style: chr2-29446349-A-G.
Other names: c.14T>C, p.Leu5Pro (NM_001353765.2); short protein forms L1073P, L5P.
Identifiers: ClinVar variation 1729014 (VCV001729014.5), dbSNP rs2148171079, ClinGen allele CA346465502.

ClinVar aggregate classification (germline): Uncertain significance. Review status: criteria provided, multiple submitters, no conflicts (2 of 4 stars). 2 submissions from 2 submitters: Uncertain significance (2). Last evaluated 2023-08-10.

Conditions:
Hereditary cancer-predisposing syndrome. Also called: Neoplastic Syndromes, Hereditary; Tumor predisposition; Hereditary Cancer Syndrome; Hereditary neoplastic syndrome. Identifiers: Orphanet 140162, MedGen C0027672, MeSH D009386, MONDO:0015356.
Neuroblastoma, susceptibility to, 3. Also called: ALK-Related Neuroblastic Tumor Susceptibility. Identifiers: Orphanet 635, MedGen C2751681, MONDO:0013083, OMIM 613014.

Submissions (2):

Labcorp Genetics (formerly Invitae), Labcorp
Classification: Uncertain significance for Neuroblastoma, susceptibility to, 3. Last evaluated: 2023-08-10. Review status: criteria provided, single submitter. Criteria: Invitae Variant Classification Sherloc (09022015). Collection method: clinical testing. Allele origin: germline.
Comment: In summary, the available evidence is currently insufficient to determine the role of this variant in disease. Therefore, it has been classified as a Variant of Uncertain Significance. An algorithm developed to predict the effect of missense changes on protein structure and function (PolyPhen-2) suggests that this variant is likely to be disruptive. ClinVar contains an entry for this variant (Variation ID: 1729014). This variant has not been reported in the literature in individuals affected with ALK-related conditions. This variant is not present in population databases (gnomAD no frequency). This sequence change replaces leucine, which is neutral and non-polar, with proline, which is neutral and non-polar, at codon 1073 of the ALK protein (p.Leu1073Pro).

Ambry Genetics
Classification: Uncertain significance for Hereditary cancer-predisposing syndrome. Last evaluated: 2022-02-22. Review status: criteria provided, single submitter. Criteria: Ambry Variant Classification Scheme 2023. Collection method: clinical testing. Allele origin: germline.
Comment: The p.L1073P variant (also known as c.3218T>C), located in coding exon 20 of the ALK gene, results from a T to C substitution at nucleotide position 3218. The leucine at codon 1073 is replaced by proline, an amino acid with similar properties. This amino acid position is conserved. In addition, this alteration is predicted to be deleterious by in silico analysis. Since supporting evidence is limited at this time, the clinical significance of this alteration remains unclear.